The following is an entry in ClinVar:

ClinVar aggregate classification (germline): Pathogenic/Likely pathogenic. Review status: criteria provided, multiple submitters, no conflicts (2 of 4 stars). 5 submissions from 5 submitters: Pathogenic (3); Likely pathogenic (1). 1 of the submissions does not count toward it. Last evaluated 2024-07-03.

Conditions:
CABP4-related disorder. Also called: CABP4-related condition.
Cone-rod synaptic disorder, congenital nonprogressive. Also called: NIGHT BLINDNESS, CONGENITAL STATIONARY, INCOMPLETE, AUTOSOMAL RECESSIVE. Identifiers: Orphanet 215, MedGen C4041558, MONDO:0012490, OMIM 610427.

Submissions (5):

Labcorp Genetics (formerly Invitae), Labcorp
Classification: Pathogenic. Last evaluated: 2024-07-03. Review status: criteria provided, single submitter. Criteria: Invitae Variant Classification Sherloc (09022015). Collection method: clinical testing. Allele origin: germline.
Comment: This sequence change results in a frameshift in the CABP4 gene (p.Glu267Valfs*92). While this is not anticipated to result in nonsense mediated decay, it is expected to disrupt the last 9 amino acid(s) of the CABP4 protein and extend the protein by 82 additional amino acid residues. This variant is present in population databases (rs755955765, gnomAD 0.007%). This frameshift has been observed in individuals with congenital non-progressive cone-rod synaptic disorder (PMID: 16960802). It has also been observed to segregate with disease in related individuals. ClinVar contains an entry for this variant (Variation ID: 1952). Algorithms developed to predict the effect of sequence changes on RNA splicing suggest that this variant may disrupt the consensus splice site. For these reasons, this variant has been classified as Pathogenic.

Blueprint Genetics
Classification: Pathogenic for CABP4-related disorders. Last evaluated: 2023-03-07. Review status: criteria provided, single submitter. Criteria: ACMG Guidelines, 2015. Collection method: clinical testing. Allele origin: germline. Affected: yes. Observed: 5 variant alleles.

GeneDx
Classification: Likely pathogenic. Last evaluated: 2019-01-22. Review status: criteria provided, single submitter. Criteria: GeneDx Variant Classification (06012015). Collection method: clinical testing. Allele origin: germline. Affected: yes.
Comment: The c.800_801delAG variant in the CABP4 gene has been reported previously in association with autosomal recessive cone-rod synaptic disorder (Zeitz et al., 2006). The c.800_801delAG variant causes a frameshift starting with codon Glutamic Acid 267, changes this amino acid to a Valine residue, and creates a premature Stop codon at position 92 of the new reading frame, denoted p.Glu267ValfsX92. This variant is predicted to cause loss of normal protein function through protein truncation, as the last 9 amino acids are lost and replaced by 91 incorrect amino acids. Functional studies of the c.800_801delAG variant demonstrate a damaging effect with reduction in Ca(2+) channel availability and loss of Ca(2+) channel function (Shaltiel et al., 2012). The c.800_801delAG variant is observed in 8/111584 (0.007%) alleles from individuals of non-Finnish European background in large population cohorts (Lek et al., 2016). We interpret c.800_801delAG as a likely pathogenic variant.

CeGaT Center for Human Genetics Tuebingen
Classification: Pathogenic. Last evaluated: 2018-01-01. Review status: criteria provided, single submitter. Criteria: CeGaT Center For Human Genetics Tuebingen Variant Classification Criteria Version 2. Collection method: clinical testing. Allele origin: germline. Affected: yes. Observed: 1 variant allele.

OMIM
Classification: Pathogenic for CONE-ROD SYNAPTIC DISORDER, CONGENITAL NONPROGRESSIVE. Last evaluated: 2006-10-01. Review status: no assertion criteria provided. Collection method: literature only. Allele origin: germline. Not counted in ClinVar's aggregate classification.

Literature cited by the submitters: PubMed 16960802 (cited by Labcorp Genetics (formerly Invitae), Labcorp and OMIM).

NM_145200.3(CABP4):c.800_801delAG

Gene: CABP4 (calcium binding protein 4; plus strand). Cytogenetic location: 11q13.2.
Variant type: Microsatellite.
Coding change: c.800_801delAG on transcript NM_145200.3; coding-DNA positions 800 to 801, 2 bases deleted (AG).
Genome position (GRCh38, 1-based): chr11:67,458,631-67,458,632, AG deleted; deleting any 2 consecutive bases within chr11:67,458,629-67,458,632 gives the same sequence; the c. name uses the placement nearest the transcript's 3' end. VCF-style (leftmost placement, unchanged base first): chr11-67458628-CAG-C. GRCh37 (hg19) VCF-style: chr11-67226099-CAG-C.
Identifiers: ClinVar variation 1952 (VCV000001952.48), dbSNP rs786205249, ClinGen allele CA212784.